The following is an entry in ClinVar:

ClinVar aggregate classification (germline): Uncertain significance (1 of 4 stars; one submission).

Submission:

Labcorp Genetics (formerly Invitae), Labcorp
Classification: Uncertain significance. Last evaluated: 2023-10-30. Review status: criteria provided, single submitter. Criteria: Invitae Variant Classification Sherloc (09022015). Collection method: clinical testing. Allele origin: germline.
Comment: This sequence change replaces aspartic acid, which is acidic and polar, with valine, which is neutral and non-polar, at codon 838 of the HIVEP2 protein (p.Asp838Val). This variant is not present in population databases (gnomAD no frequency). This variant has not been reported in the literature in individuals affected with HIVEP2-related conditions. An algorithm developed to predict the effect of missense changes on protein structure and function (PolyPhen-2) suggests that this variant is likely to be disruptive. In summary, the available evidence is currently insufficient to determine the role of this variant in disease. Therefore, it has been classified as a Variant of Uncertain Significance.

NM_006734.4(HIVEP2):c.2513A>T (p.Asp838Val)

Gene: HIVEP2 (HIVEP zinc finger 2; minus strand). Cytogenetic location: 6q24.2.
Variant type: single nucleotide variant.
Coding change: c.2513A>T on transcript NM_006734.4 (MANE Select); coding-DNA position 2513, A replaced by T.
Protein change: p.Asp838Val; replaces aspartic acid 838 with valine.
Molecular consequence: missense variant.
Genome position (GRCh38, 1-based): chr6:142,772,226, T>A on the plus strand (A>T on the coding strand, the complement: HIVEP2 is on the minus strand). VCF-style: chr6-142772226-T-A. GRCh37 (hg19) VCF-style: chr6-143093363-T-A.
Other names: short protein forms D838V.
Identifiers: ClinVar variation 2790035 (VCV002790035.3), dbSNP rs763770085, ClinGen allele CA365908831.